The following is an entry in ClinVar:

NM_020433.5(JPH2):c.938G>A (p.Arg313His)

Gene: JPH2 (junctophilin 2; minus strand). Cytogenetic location: 20q13.12.
Variant type: single nucleotide variant.
Coding change: c.938G>A on transcript NM_020433.5 (MANE Select); coding-DNA position 938, G replaced by A.
Protein change: p.Arg313His; replaces arginine 313 with histidine.
Molecular consequence: missense variant.
Genome position (GRCh38, 1-based): chr20:44,159,849, C>T on the plus strand (G>A on the coding strand, the complement: JPH2 is on the minus strand). VCF-style: chr20-44159849-C-T. GRCh37 (hg19) VCF-style: chr20-42788489-C-T.
Other names: short protein forms R313H.
Identifiers: ClinVar variation 3903169 (VCV003903169.1).

ClinVar aggregate classification (germline): Uncertain significance (1 of 4 stars; one submission).

Submission:

GeneDx
Classification: Uncertain significance. Last evaluated: 2024-12-11. Review status: criteria provided, single submitter. Criteria: GeneDx Variant Classification Process June 2021. Collection method: clinical testing. Allele origin: germline. Affected: yes.
Comment: Has not been previously published as pathogenic or benign to our knowledge; Not observed at significant frequency in large population cohorts (gnomAD); In silico analysis indicates that this missense variant does not alter protein structure/function